The following is an entry in ClinVar:

NM_001197104.2(KMT2A):c.6692C>T (p.Ser2231Phe)

Gene: KMT2A (lysine methyltransferase 2A; plus strand). Cytogenetic location: 11q23.3.
Variant type: single nucleotide variant.
Coding change: c.6692C>T on transcript NM_001197104.2 (MANE Select); coding-DNA position 6692, C replaced by T.
Protein change: p.Ser2231Phe; replaces serine 2231 with phenylalanine.
Molecular consequence: missense variant.
Genome position (GRCh38, 1-based): chr11:118,502,584, C>T. VCF-style: chr11-118502584-C-T. GRCh37 (hg19) VCF-style: chr11-118373299-C-T.
Other names: c.6782C>T, p.Ser2261Phe (NM_001412597.1); c.6683C>T, p.Ser2228Phe (NM_005933.4); short protein forms S2228F, S2231F, S2261F.
Identifiers: ClinVar variation 3360577 (VCV003360577.1).
Genomic context (GRCh38, chr11:118,502,584, plus strand): 5'-GGATAATGTCTCCAATGAGAACTGGGAATACTTACTCTAGGAATAATGTTTCCTCAGTCT[C>T]CACCACCGGGACCGCTACTGATCTTGAATCAAGTGCCAAAGTAGTTGATCATGTCTTAGG-3'
Protein context (NP_001184033.1, residues 2221-2241): TYSRNNVSSV[Ser2231Phe]TTGTATDLES

ClinVar aggregate classification (germline): Uncertain significance (1 of 4 stars; one submission).

Submission:

GeneDx
Classification: Uncertain significance. Last evaluated: 2023-06-27. Review status: criteria provided, single submitter. Criteria: GeneDx Variant Classification Process June 2021. Collection method: clinical testing. Allele origin: germline. Affected: yes.
Comment: Not observed at significant frequency in large population cohorts (gnomAD); In silico analysis supports that this missense variant does not alter protein structure/function; Has not been previously published as pathogenic or benign to our knowledge